The following is an entry in ClinVar:

ClinVar aggregate classification (germline): Uncertain significance (1 of 4 stars; one submission).

Conditions:
Hypotonia, infantile, with psychomotor retardation and characteristic facies 3 (IHPRF3). Also called: TBCK-Related Neurodevelopmental Disorder. Identifiers: Orphanet 488632, MedGen C5567480, MONDO:0014823, OMIM 616900.

gnomAD v4.1: 2 of 1,568,672 alleles (0.00013%); highest among the groups gnomAD compares: Non-Finnish European, 0.00017%; no homozygotes.

Submission:

OLLIN Analises Genomicas, OLLIN
Classification: Uncertain significance for Hypotonia, infantile, with psychomotor retardation and characteristic facies 3. Last evaluated: 2026-08-06. Review status: criteria provided, single submitter. Criteria: ACMG Guidelines 2015 PMID 25741868. Collection method: clinical testing. Allele origin: germline.
Comment: This missense variant, located in exon 7 (of 26), has been observed in gnomAD with an allele frequency of 0.00013%, but has not been reported in ClinVar or identified in the literature. In silico analysis predicts that this variant has a tolerated effect. According to the currently available evidence, this variant has been classified as uncertain significance (PM2_P, BP4).

NM_001163435.3(TBCK):c.628T>C (p.Ser210Pro)

Gene: TBCK (TBC1 domain containing kinase; minus strand). Cytogenetic location: 4q24.
Variant type: single nucleotide variant.
Coding change: c.628T>C on transcript NM_001163435.3 (MANE Select); coding-DNA position 628, T replaced by C.
Protein change: p.Ser210Pro; replaces serine 210 with proline.
Molecular consequence: missense variant.
Genome position (GRCh38, 1-based): chr4:106,250,448, A>G on the plus strand (T>C on the coding strand, the complement: TBCK is on the minus strand). VCF-style: chr4-106250448-A-G. GRCh37 (hg19) VCF-style: chr4-107171605-A-G.
Other names: c.628T>C, p.Ser210Pro (NM_001163436.4); c.511T>C, p.Ser171Pro (NM_001163437.3); c.112T>C, p.Ser38Pro (NM_001290768.2); c.439T>C, p.Ser147Pro (NM_033115.5); short protein forms S210P, S171P, S38P, S147P.
Identifiers: ClinVar variation 5002988 (VCV005002988.1).